The following is an entry in ClinVar:

ClinVar aggregate classification (germline): Uncertain significance (1 of 4 stars; one submission).

Allele frequency attached by ClinVar (database versions not stated): gnomAD exomes below 0.00001; ExAC 0.00001.
gnomAD v4.1: 1 of 1,563,934 alleles (0.000064%); highest among the groups gnomAD compares: Non-Finnish European, 0.000086%; no homozygotes.

Submission:

GeneDx
Classification: Uncertain significance. Last evaluated: 2024-10-17. Review status: criteria provided, single submitter. Criteria: GeneDx Variant Classification Process June 2021. Collection method: clinical testing. Allele origin: germline. Affected: yes.
Comment: Not observed at significant frequency in large population cohorts (gnomAD); In silico analysis indicates that this missense variant does not alter protein structure/function; Has not been previously published as pathogenic or benign to our knowledge

NM_006267.5(RANBP2):c.4986C>G (p.Phe1662Leu)

Gene: RANBP2 (RAN binding protein 2; plus strand). Cytogenetic location: 2q13.
Variant type: single nucleotide variant.
Coding change: c.4986C>G on transcript NM_006267.5 (MANE Select); coding-DNA position 4986, C replaced by G.
Protein change: p.Phe1662Leu; replaces phenylalanine 1662 with leucine.
Molecular consequence: missense variant.
Genome position (GRCh38, 1-based): chr2:108,765,525, C>G. VCF-style: chr2-108765525-C-G. GRCh37 (hg19) VCF-style: chr2-109381981-C-G.
Other names: short protein forms F1662L.
Identifiers: ClinVar variation 1198012 (VCV001198012.3), dbSNP rs777676139, ClinGen allele CA1823209.
Genomic context (GRCh38, chr2:108,765,525, plus strand): 5'-TTCAACACCTGCCTCTTCAGAGACAAGCAAGGCTCCAAAGAGCGGATTTGAGGGAATGTT[C>G]ACTAAGAAGGAGGGACAGTGGGATTGCAGTGTGTGCTTAGTAAGAAATGAAGCCAGTGCT-3'
Protein context (NP_006258.3, residues 1652-1672): KAPKSGFEGM[Phe1662Leu]TKKEGQWDCS